The following is an entry in ClinVar:

NM_022836.4(DCLRE1B):c.181C>T (p.His61Tyr)

Genes: DCLRE1B (DNA cross-link repair 1B; plus strand), AP4B1 (adaptor related protein complex 4 subunit beta 1; minus strand). Cytogenetic location: 1p13.2.
Variant type: single nucleotide variant.
Coding change: c.181C>T on transcript NM_022836.4 (MANE Select); coding-DNA position 181, C replaced by T.
Protein change: p.His61Tyr; replaces histidine 61 with tyrosine.
Molecular consequence: missense variant. On other transcripts: 5 prime UTR variant (3).
Genome position (GRCh38, 1-based): chr1:113,905,767, C>T. VCF-style: chr1-113905767-C-T. GRCh37 (hg19) VCF-style: chr1-114448389-C-T.
Other names: c.-32C>T (NM_001319946.2, NM_001319947.2, NM_001363691.2); c.181C>T, p.His61Tyr (NM_001363690.2); short protein forms H61Y.
Identifiers: ClinVar variation 225770 (VCV000225770.10), dbSNP rs11552449, ClinGen allele CA1016286.

ClinVar aggregate classification (germline): Benign. Review status: criteria provided, multiple submitters, no conflicts (2 of 4 stars). 5 submissions from 4 submitters: Benign (5). Last evaluated 2026-01-26.

Conditions:
Autosomal recessive dyskeratosis congenita. Identifiers: MedGen C3502105.
Hoyeraal-Hreidarsson syndrome (HHS). Also called: CEREBELLAR HYPOPLASIA WITH PANCYTOPENIA. Identifiers: Orphanet 3322, MedGen C1846142, MONDO:0018045.
Hereditary spastic paraplegia 47. Also called: CEREBRAL PALSY, SPASTIC QUADRIPLEGIC, 5; Spastic paraplegia 47, autosomal recessive; adaptor protein 4 (AP-4) deficiency syndrome. Identifiers: Orphanet 280763, MedGen C3279738, MONDO:0013551, OMIM 614066.

Allele frequency attached by ClinVar (database versions not stated): ESP Exome Variant Server 0.12917; gnomAD 0.15327 and 0.16104; TOPMed 0.17247; gnomAD exomes 0.18522 and 0.22341; ExAC 0.21182; 1000 Genomes Project 30x 0.23673; 1000 Genomes Project 0.24221.
gnomAD v4.1: 295,044 of 1,612,434 alleles (18%); highest among the groups gnomAD compares: East Asian, 56%; 33,388 homozygotes.

Submissions (5):

Labcorp Genetics (formerly Invitae), Labcorp
Classification: Benign for Hoyeraal-Hreidarsson syndrome; Autosomal recessive dyskeratosis congenita. Last evaluated: 2026-01-26. Review status: criteria provided, single submitter. Criteria: Invitae Variant Classification Sherloc (09022015). Collection method: clinical testing. Allele origin: germline.

Unidad de Genómica Garrahan, Hospital de Pediatría Garrahan
Classification: Benign. Last evaluated: 2024-01-24. Review status: criteria provided, single submitter. Criteria: ACMG Guidelines, 2015. Collection method: clinical testing. Allele origin: germline. Affected: no. Observed: 59 variant alleles.
Comment: This variant is classified as Benign based on local population frequency. This variant was detected in 62% of patients studied by a panel of primary immunodeficiencies. Number of patients: 59. Only high quality variants are reported.

Labcorp Genetics (formerly Invitae), Labcorp
Classification: Benign for Hereditary spastic paraplegia 47. Last evaluated: 2020-11-26. Review status: criteria provided, single submitter. Criteria: Invitae Variant Classification Sherloc (09022015). Collection method: clinical testing. Allele origin: germline.

GeneDx
Classification: Benign. Last evaluated: 2018-07-05. Review status: criteria provided, single submitter. Criteria: GeneDx Variant Classification Process June 2021. Collection method: clinical testing. Allele origin: germline. Affected: yes.

Breakthrough Genomics
Classification: Benign. Review status: criteria provided, single submitter. Criteria: ACMG Guidelines, 2015. Collection method: not provided. Allele origin: germline. Inheritance: Autosomal recessive inheritance. Affected: yes.